The following is an entry in ClinVar:

NM_000059.4(BRCA2):c.6316C>G (p.Leu2106Val)

Gene: BRCA2 (BRCA2 DNA repair associated; plus strand). Cytogenetic location: 13q13.1.
Variant type: single nucleotide variant.
Coding change: c.6316C>G on transcript NM_000059.4 (MANE Select); coding-DNA position 6316, C replaced by G.
Protein change: p.Leu2106Val; replaces leucine 2106 with valine.
Molecular consequence: missense variant.
Genome position (GRCh38, 1-based): chr13:32,340,671, C>G. VCF-style: chr13-32340671-C-G. GRCh37 (hg19) VCF-style: chr13-32914808-C-G.
Other names: short protein forms L2106V.
Identifiers: ClinVar variation 922354 (VCV000922354.11), dbSNP rs876660892, ClinGen allele CA387789057.

ClinVar aggregate classification (germline): Conflicting classifications of pathogenicity. Review status: criteria provided, conflicting classifications (1 of 4 stars). 4 submissions from 4 submitters: Uncertain significance (3); Likely benign (1). Last evaluated 2023-12-07.

Conditions:
Hereditary cancer-predisposing syndrome. Also called: Neoplastic Syndromes, Hereditary; Tumor predisposition; Hereditary Cancer Syndrome; Hereditary neoplastic syndrome. Identifiers: Orphanet 140162, MedGen C0027672, MeSH D009386, MONDO:0015356.
Hereditary breast ovarian cancer syndrome. Also called: BRCA1- and BRCA2-Associated Hereditary Breast and Ovarian Cancer; Hereditary breast and ovarian cancer syndrome; Hereditary breast and ovarian cancer; Hereditary breast and ovarian cancer syndrome (HBOC); Breast and ovarian cancer; Hereditary breast and/or ovarian cancer syndrome. Identifiers: Orphanet 145, MedGen C0677776, MeSH D061325, MONDO:0003582. Disease mechanism: loss of function.

Submissions (4):

Color Diagnostics, LLC DBA Color Health
Classification: Uncertain significance for Hereditary cancer-predisposing syndrome. Last evaluated: 2023-12-07. Review status: criteria provided, single submitter. Criteria: ACMG Guidelines, 2015. Collection method: clinical testing. Allele origin: germline.
Comment: This missense variant replaces leucine with valine at codon 2106 of the BRCA2 protein. Computational prediction suggests that this variant may not impact protein structure and function (internally defined REVEL score threshold <= 0.5, PMID: 27666373). To our knowledge, functional studies have not been reported for this variant. This variant has not been reported in individuals affected with BRCA2-related disorders in the literature. This variant has not been identified in the general population by the Genome Aggregation Database (gnomAD). The available evidence is insufficient to determine the role of this variant in disease conclusively. Therefore, this variant is classified as a Variant of Uncertain Significance.

Labcorp Genetics (formerly Invitae), Labcorp
Classification: Uncertain significance for Hereditary breast ovarian cancer syndrome. Last evaluated: 2023-04-09. Review status: criteria provided, single submitter. Criteria: Invitae Variant Classification Sherloc (09022015). Collection method: clinical testing. Allele origin: germline.
Comment: In summary, the available evidence is currently insufficient to determine the role of this variant in disease. Therefore, it has been classified as a Variant of Uncertain Significance. Advanced modeling of protein sequence and biophysical properties (such as structural, functional, and spatial information, amino acid conservation, physicochemical variation, residue mobility, and thermodynamic stability) performed at Invitae indicates that this missense variant is not expected to disrupt BRCA2 protein function. ClinVar contains an entry for this variant (Variation ID: 922354). This variant has not been reported in the literature in individuals affected with BRCA2-related conditions. This variant is not present in population databases (gnomAD no frequency). This sequence change replaces leucine, which is neutral and non-polar, with valine, which is neutral and non-polar, at codon 2106 of the BRCA2 protein (p.Leu2106Val).

University of Washington Department of Laboratory Medicine, University of Washington
Classification: Likely benign for Hereditary cancer-predisposing syndrome. Last evaluated: 2023-03-23. Review status: criteria provided, single submitter. Criteria: Dines et al. (Genet Med. 2020). Collection method: curation. Allele origin: germline.
Comment: Missense variant in a coldspot region where missense variants are very unlikely to be pathogenic (PMID:31911673).

BRCA2 exon 11 coldspot. Reclassification based on statistical prior probability.

Ambry Genetics
Classification: Uncertain significance for Hereditary cancer-predisposing syndrome. Last evaluated: 2022-12-25. Review status: criteria provided, single submitter. Criteria: Ambry Variant Classification Scheme 2023. Collection method: clinical testing. Allele origin: germline.
Comment: The p.L2106V variant (also known as c.6316C>G), located in coding exon 10 of the BRCA2 gene, results from a C to G substitution at nucleotide position 6316. The leucine at codon 2106 is replaced by valine, an amino acid with highly similar properties. This amino acid position is conserved. In addition, this alteration is predicted to be tolerated by in silico analysis. Since supporting evidence is limited at this time, the clinical significance of this alteration remains unclear.